The following is an entry in ClinVar:

NM_000565.4(IL6R):c.938C>T (p.Thr313Met)

Gene: IL6R (interleukin 6 receptor; plus strand). Cytogenetic location: 1q21.3.
Variant type: single nucleotide variant.
Coding change: c.938C>T on transcript NM_000565.4 (MANE Select); coding-DNA position 938, C replaced by T.
Protein change: p.Thr313Met; replaces threonine 313 with methionine.
Molecular consequence: missense variant.
Genome position (GRCh38, 1-based): chr1:154,436,099, C>T. VCF-style: chr1-154436099-C-T. GRCh37 (hg19) VCF-style: chr1-154408575-C-T.
Other names: c.932C>T, p.Thr311Met (NM_001382772.1); c.938C>T, p.Thr313Met (NM_001382773.1, NM_001382770.1, NM_001382771.1 and 3 more transcripts); c.578C>T, p.Thr193Met (NM_001382774.1); short protein forms T313M, T193M, T311M.
Identifiers: ClinVar variation 1469529 (VCV001469529.7), dbSNP rs746005168, ClinGen allele CA1129171.
Genomic context (GRCh38, chr1:154,436,099, plus strand): 5'-GTGCCCAGGAGGAGTTCGGGCAAGGCGAGTGGAGCGAGTGGAGCCCGGAGGCCATGGGCA[C>T]GCCTTGGACAGGTACTGCGGTGGGCACTGAGAAAGGAAGGGATGTTTCAACTGTCATTGC-3'
Protein context (NP_000556.1, residues 303-323): WSEWSPEAMG[Thr313Met]PWTESRSPPA

ClinVar aggregate classification (germline): Uncertain significance (1 of 4 stars; one submission).

Allele frequency attached by ClinVar (database versions not stated): gnomAD exomes below 0.00001 and 0.00001; TOPMed 0.00001; ExAC 0.00002; gnomAD 0.00002.
gnomAD v4.1: 9 of 1,609,740 alleles (0.00056%); highest among the groups gnomAD compares: South Asian, 0.0022%; no homozygotes.

Submission:

Labcorp Genetics (formerly Invitae), Labcorp
Classification: Uncertain significance. Last evaluated: 2022-07-19. Review status: criteria provided, single submitter. Criteria: Invitae Variant Classification Sherloc (09022015). Collection method: clinical testing. Allele origin: germline.
Comment: The frequency data for this variant in the population databases is considered unreliable, as metrics indicate poor data quality at this position in the gnomAD database. In summary, the available evidence is currently insufficient to determine the role of this variant in disease. Therefore, it has been classified as a Variant of Uncertain Significance. Algorithms developed to predict the effect of missense changes on protein structure and function are either unavailable or do not agree on the potential impact of this missense change (SIFT: "Deleterious"; PolyPhen-2: "Possibly Damaging"; Align-GVGD: "Class C0"). ClinVar contains an entry for this variant (Variation ID: 1469529). This variant has not been reported in the literature in individuals affected with IL6R-related conditions. This sequence change replaces threonine, which is neutral and polar, with methionine, which is neutral and non-polar, at codon 313 of the IL6R protein (p.Thr313Met).